The following is an entry in ClinVar:

ClinVar aggregate classification (germline): Uncertain significance. Review status: criteria provided, multiple submitters, no conflicts (2 of 4 stars). 2 submissions from 2 submitters: Uncertain significance (2). Last evaluated 2026-03-01.

Allele frequency attached by ClinVar (database versions not stated): TOPMed below 0.00001; gnomAD 0.00001; gnomAD exomes 0.00001; ExAC 0.00002.
gnomAD v4.1: 8 of 1,610,976 alleles (0.0005%); highest among the groups gnomAD compares: Admixed American, 0.0017%; no homozygotes.

Submissions (2):

CeGaT Center for Human Genetics Tuebingen
Classification: Uncertain significance. Last evaluated: 2026-03-01. Review status: criteria provided, single submitter. Criteria: CeGaT Center For Human Genetics Tuebingen Variant Classification Criteria Version 2. Collection method: clinical testing. Allele origin: germline. Affected: yes. Observed: 1 variant allele.

GeneDx
Classification: Uncertain significance. Last evaluated: 2022-06-06. Review status: criteria provided, single submitter. Criteria: GeneDx Variant Classification Process June 2021. Collection method: clinical testing. Allele origin: germline. Affected: yes.
Comment: Not observed at significant frequency in large population cohorts (gnomAD); In silico analysis supports that this missense variant does not alter protein structure/function; Has not been previously published as pathogenic or benign to our knowledge

NM_014991.6(WDFY3):c.9691G>A (p.Val3231Ile)

Gene: WDFY3 (WD repeat and FYVE domain containing 3; minus strand). Cytogenetic location: 4q21.23.
Variant type: single nucleotide variant.
Coding change: c.9691G>A on transcript NM_014991.6 (MANE Select); coding-DNA position 9691, G replaced by A.
Protein change: p.Val3231Ile; replaces valine 3231 with isoleucine.
Molecular consequence: missense variant.
Genome position (GRCh38, 1-based): chr4:84,683,978, C>T on the plus strand (G>A on the coding strand, the complement: WDFY3 is on the minus strand). VCF-style: chr4-84683978-C-T. GRCh37 (hg19) VCF-style: chr4-85605131-C-T.
Other names: short protein forms V3231I.
Identifiers: ClinVar variation 1803436 (VCV001803436.5), dbSNP rs777730609, ClinGen allele CA2992120.